The following is an entry in ClinVar:

NM_006648.4(WNK2):c.1744G>A (p.Gly582Arg)

Gene: WNK2 (WNK lysine deficient protein kinase 2; plus strand). Cytogenetic location: 9q22.31.
Variant type: single nucleotide variant.
Coding change: c.1744G>A on transcript NM_006648.4 (MANE Select); coding-DNA position 1744, G replaced by A.
Protein change: p.Gly582Arg; replaces glycine 582 with arginine.
Molecular consequence: missense variant.
Genome position (GRCh38, 1-based): chr9:93,247,744, G>A. VCF-style: chr9-93247744-G-A. GRCh37 (hg19) VCF-style: chr9-96010026-G-A.
Other names: c.1744G>A, p.Gly582Arg (NM_001282394.3); short protein forms G582R.
Identifiers: ClinVar variation 4605398 (VCV004605398.1).
Genomic context (GRCh38, chr9:93,247,744, plus strand): 5'-GACAAGGCCAGGGGTCCGCCGGTGCCCCTGCAGGTCCAGGTGACCTACCATGCACAGGCT[G>A]GGCAGCCCGGGCCACCAGAGCCCGAGGAGCCGGAGGCCGACCAGCACCTCCTGCCACCTA-3'
Protein context (NP_006639.3, residues 572-592): QVQVTYHAQA[Gly582Arg]QPGPPEPEEP

ClinVar aggregate classification (germline): Uncertain significance (1 of 4 stars; one submission).

Submission:

Ambry Genetics
Classification: Uncertain significance. Last evaluated: 2025-11-26. Review status: criteria provided, single submitter. Criteria: Ambry Variant Classification Scheme 2023. Collection method: clinical testing. Allele origin: germline.
Comment: The p.G582R variant (also known as c.1744G>A), located in coding exon 7 of the WNK2 gene, results from a G to A substitution at nucleotide position 1744. The glycine at codon 582 is replaced by arginine, an amino acid with dissimilar properties. This amino acid position is conserved. In addition, this alteration is predicted to be deleterious by in silico analysis. Based on the available evidence, the clinical significance of this variant remains unclear.